The following is an entry in ClinVar:

ClinVar aggregate classification (germline): Uncertain significance (1 of 4 stars; one submission).

Allele frequency attached by ClinVar (database versions not stated): gnomAD 0.00001; gnomAD exomes 0.00001.
gnomAD v4.1: 13 of 1,614,046 alleles (0.00081%); highest among the groups gnomAD compares: East Asian, 0.0089%; no homozygotes.

Submission:

Labcorp Genetics (formerly Invitae), Labcorp
Classification: Uncertain significance. Last evaluated: 2022-06-18. Review status: criteria provided, single submitter. Criteria: Invitae Variant Classification Sherloc (09022015). Collection method: clinical testing. Allele origin: germline.
Comment: In summary, the available evidence is currently insufficient to determine the role of this variant in disease. Therefore, it has been classified as a Variant of Uncertain Significance. Algorithms developed to predict the effect of missense changes on protein structure and function output the following: SIFT: "Tolerated"; PolyPhen-2: "Benign"; Align-GVGD: "Class C0". The leucine amino acid residue is found in multiple mammalian species, which suggests that this missense change does not adversely affect protein function. This variant has not been reported in the literature in individuals affected with NDST1-related conditions. This variant is present in population databases (no rsID available, gnomAD 0.01%). This sequence change replaces serine, which is neutral and polar, with leucine, which is neutral and non-polar, at codon 742 of the NDST1 protein (p.Ser742Leu).

NM_001543.5(NDST1):c.2225C>T (p.Ser742Leu)

Gene: NDST1 (N-deacetylase and N-sulfotransferase 1; plus strand). Cytogenetic location: 5q33.1.
Variant type: single nucleotide variant.
Coding change: c.2225C>T on transcript NM_001543.5 (MANE Select); coding-DNA position 2225, C replaced by T.
Protein change: p.Ser742Leu; replaces serine 742 with leucine.
Molecular consequence: missense variant. On other transcripts: intron variant (1).
Genome position (GRCh38, 1-based): chr5:150,548,297, C>T. VCF-style: chr5-150548297-C-T. GRCh37 (hg19) VCF-style: chr5-149927859-C-T.
Other names: c.2146-1381C>T (NM_001301063.2); short protein forms S742L.
Identifiers: ClinVar variation 2074193 (VCV002074193.4), dbSNP rs977524041, ClinGen allele CA129137519.